The following is an entry in ClinVar:

ClinVar aggregate classification (germline): Uncertain significance (1 of 4 stars; one submission).

Conditions:
TNF receptor-associated periodic fever syndrome (TRAPS) (FPF). Also called: FAMILIAL HIBERNIAN FEVER; TNF RECEPTOR-ASSOCIATED PERIODIC SYNDROME; TUMOR NECROSIS FACTOR RECEPTOR-ASSOCIATED PERIODIC SYNDROME; Autosomal Dominant Familial Periodic Fever; TNF Receptor-Associated Periodic Fever Syndrome; TNF receptor 1-associated periodic fever syndrome. Identifiers: Orphanet 32960, MedGen C1275126, MONDO:0007727, OMIM 142680.

Submission:

Labcorp Genetics (formerly Invitae), Labcorp
Classification: Uncertain significance for TNF receptor-associated periodic fever syndrome (TRAPS). Last evaluated: 2025-11-04. Review status: criteria provided, single submitter. Criteria: Invitae Variant Classification Sherloc (09022015). Collection method: clinical testing. Allele origin: germline.
Comment: This sequence change falls in intron 3 of the TNFRSF1A gene. It does not directly change the encoded amino acid sequence of the TNFRSF1A protein. This variant is not present in population databases (gnomAD no frequency). This variant has not been reported in the literature in individuals affected with TNFRSF1A-related conditions. Experimental studies and prediction algorithms are not available or were not evaluated, and the functional significance of this variant is currently unknown. In summary, the available evidence is currently insufficient to determine the role of this variant in disease. Therefore, it has been classified as a Variant of Uncertain Significance.

NM_001065.4(TNFRSF1A):c.323-30_323-1del

Gene: TNFRSF1A (TNF receptor superfamily member 1A; minus strand). Cytogenetic location: 12p13.31.
Variant type: Deletion.
Coding change: c.323-30_323-1del on transcript NM_001065.4 (MANE Select); 30 bases into the intron before coding-DNA position 323 through the canonical splice acceptor site of the intron before coding-DNA position 323, 30 bases deleted (GACTCATACCCCATCTTCTCCCCTCACCAG).
Molecular consequence: splice acceptor variant.
Genome position (GRCh38, 1-based): chr12:6,333,517-6,333,546, CTGGTGAGGGGAGAAGATGGGGTATGAGTC deleted on the plus strand (GACTCATACCCCATCTTCTCCCCTCACCAG on the coding strand, the reverse complement: TNFRSF1A is on the minus strand); deleting any 30 consecutive bases within chr12:6,333,517-6,333,549 gives the same sequence; the c. name uses the placement nearest the transcript's 3' end. VCF-style (leftmost placement, unchanged base first): chr12-6333516-TCTGGTGAGGGGAGAAGATGGGGTATGAGTC-T. GRCh37 (hg19) VCF-style: chr12-6442682-TCTGGTGAGGGGAGAAGATGGGGTATGAGTC-T.
Other names: c.-2-30_-2-1del (NM_001346091.2); c.-255-30_-255-1del (NM_001346092.2).
Identifiers: ClinVar variation 4730479 (VCV004730479.1).